The following is an entry in ClinVar:

NM_002601.4(PDE6D):c.258C>T (p.Cys86=)

Gene: PDE6D (phosphodiesterase 6D; minus strand). Cytogenetic location: 2q37.1.
Variant type: single nucleotide variant.
Coding change: c.258C>T on transcript NM_002601.4 (MANE Select); coding-DNA position 258, C replaced by T.
Protein change: p.Cys86=; no amino-acid change (cysteine 86 retained).
Molecular consequence: synonymous variant.
Genome position (GRCh38, 1-based): chr2:231,738,020, G>A on the plus strand (C>T on the coding strand, the complement: PDE6D is on the minus strand). VCF-style: chr2-231738020-G-A. GRCh37 (hg19) VCF-style: chr2-232602730-G-A.
Other names: c.258C>T, p.Cys86= (NM_001291018.2).
Identifiers: ClinVar variation 772606 (VCV000772606.29), dbSNP rs151191604, ClinGen allele CA2163220.

ClinVar aggregate classification (germline): Likely benign. Review status: criteria provided, multiple submitters, no conflicts (2 of 4 stars). 3 submissions from 3 submitters: Likely benign (3). Last evaluated 2026-01-27.

Conditions:
Joubert syndrome 22 (JBTS22). Identifiers: Orphanet 2754, MedGen C3810278, MONDO:0014297, OMIM 615665.

Allele frequency attached by ClinVar (database versions not stated): gnomAD 0.00031 and 0.00034; TOPMed 0.00032; gnomAD exomes 0.00038 and 0.00060; ExAC 0.00046; ESP Exome Variant Server 0.00054.
gnomAD v4.1: 928 of 1,613,946 alleles (0.057%); highest among the groups gnomAD compares: Admixed American, 0.082%; 2 homozygotes.

Submissions (3):

Labcorp Genetics (formerly Invitae), Labcorp
Classification: Likely benign for Joubert syndrome 22. Last evaluated: 2026-01-27. Review status: criteria provided, single submitter. Criteria: Invitae Variant Classification Sherloc (09022015). Collection method: clinical testing. Allele origin: germline.

CeGaT Center for Human Genetics Tuebingen
Classification: Likely benign. Last evaluated: 2025-09-01. Review status: criteria provided, single submitter. Criteria: CeGaT Center For Human Genetics Tuebingen Variant Classification Criteria Version 2. Collection method: clinical testing. Allele origin: germline. Affected: yes. Observed: 3 variant alleles.
Comment: PDE6D: BP4, BP7

Blueprint Genetics
Classification: Likely benign. Last evaluated: 2024-11-26. Review status: criteria provided, single submitter. Criteria: ACMG Guidelines, 2015. Collection method: clinical testing. Allele origin: germline.